The following is an entry in ClinVar:

ClinVar aggregate classification (germline): Pathogenic (1 of 4 stars; one submission).

Conditions:
Familial cancer of breast. Also called: Hereditary breast cancer; BREAST CANCER, FAMILIAL; hereditary breast carcinoma. Identifiers: Orphanet 227535, MedGen C0346153, MONDO:0016419, OMIM 114480. Disease mechanism: loss of function.

Submission:

Myriad Genetics, Inc.
Classification: Pathogenic for Familial cancer of breast. Last evaluated: 2023-06-02. Review status: criteria provided, single submitter. Criteria: Myriad Autosomal Dominant, Autosomal Recessive and X-Linked Classification Criteria (2023). Collection method: clinical testing. Allele origin: unknown.
Comment: This variant is considered pathogenic. This variant creates a termination codon and is predicted to result in premature protein truncation.

NM_032043.3(BRIP1):c.1531G>T (p.Glu511Ter)

Gene: BRIP1 (BRCA1 interacting DNA helicase 1; minus strand). Cytogenetic location: 17q23.2.
Variant type: single nucleotide variant.
Coding change: c.1531G>T on transcript NM_032043.3 (MANE Select); coding-DNA position 1531, G replaced by T.
Protein change: p.Glu511Ter; replaces glutamic acid 511 with a stop codon.
Molecular consequence: nonsense.
Genome position (GRCh38, 1-based): chr17:61,784,367, C>A on the plus strand (G>T on the coding strand, the complement: BRIP1 is on the minus strand). VCF-style: chr17-61784367-C-A. GRCh37 (hg19) VCF-style: chr17-59861728-C-A.
Other names: short protein forms E511*.
Identifiers: ClinVar variation 2583450 (VCV002583450.2), dbSNP rs2545054512, ClinGen allele CA400481285.
Genomic context (GRCh38, chr17:61,784,367, plus strand): 5'-AAAGTCCTTTAAGCATTATTTGAGTTGATGCACTAATAACAGGTACTTCTCTTGCCTCCT[C>A]TTTACCATAAATTGGTGAGATTTTTTCCTCTTTTTGAAGAACAGCAGAAAAATGTCCCTA-3'